The following is an entry in ClinVar:

NM_004360.5(CDH1):c.2391T>A (p.Tyr797Ter)

Gene: CDH1 (cadherin 1; plus strand). Cytogenetic location: 16q22.1.
Variant type: single nucleotide variant.
Coding change: c.2391T>A on transcript NM_004360.5 (MANE Select); coding-DNA position 2391, T replaced by A.
Protein change: p.Tyr797Ter; replaces tyrosine 797 with a stop codon.
Molecular consequence: nonsense.
Genome position (GRCh38, 1-based): chr16:68,829,749, T>A. VCF-style: chr16-68829749-T-A. GRCh37 (hg19) VCF-style: chr16-68863652-T-A.
Other names: c.2208T>A, p.Tyr736Ter (NM_001317184.2); c.843T>A, p.Tyr281Ter (NM_001317185.2); c.426T>A, p.Tyr142Ter (NM_001317186.2); short protein forms Y142*, Y797*, Y281*, Y736*.
Identifiers: ClinVar variation 3728965 (VCV003728965.2).

ClinVar aggregate classification (germline): Pathogenic (1 of 4 stars; one submission).

Conditions:
Hereditary diffuse gastric adenocarcinoma (HDGC). Also called: DIFFUSE GASTRIC AND LOBULAR BREAST CANCER SYNDROME. Identifiers: Orphanet 26106, MedGen C1708349, MONDO:0007648, OMIM 137215.

gnomAD v4.1: 1 of 1,614,130 alleles (0.000062%); highest among the groups gnomAD compares: Non-Finnish European, 0.000085%; no homozygotes.

Submission:

Labcorp Genetics (formerly Invitae), Labcorp
Classification: Pathogenic for Hereditary diffuse gastric adenocarcinoma. Last evaluated: 2025-01-14. Review status: criteria provided, single submitter. Criteria: Invitae Variant Classification Sherloc (09022015). Collection method: clinical testing. Allele origin: germline.
Comment: This sequence change creates a premature translational stop signal (p.Tyr797*) in the CDH1 gene. It is expected to result in an absent or disrupted protein product. Loss-of-function variants in CDH1 are known to be pathogenic (PMID: 15235021, 20373070). This variant is not present in population databases (gnomAD no frequency). This variant has not been reported in the literature in individuals affected with CDH1-related conditions. For these reasons, this variant has been classified as Pathogenic.

Literature cited by the submitters: PubMed 15235021; PubMed 20373070.